The following is an entry in ClinVar:

ClinVar aggregate classification (germline): Likely pathogenic (1 of 4 stars; one submission).

Conditions:
Familial cancer of breast. Also called: hereditary breast carcinoma; Hereditary breast cancer; BREAST CANCER, FAMILIAL. Identifiers: Orphanet 227535, MedGen C0346153, MONDO:0016419, OMIM 114480. Disease mechanism: loss of function.

Submission:

Labcorp Genetics (formerly Invitae), Labcorp
Classification: Likely pathogenic for Familial cancer of breast. Last evaluated: 2024-03-06. Review status: criteria provided, single submitter. Criteria: Invitae Variant Classification Sherloc (09022015). Collection method: clinical testing. Allele origin: germline.
Comment: This sequence change affects a splice site in intron 5 of the CHEK2 gene. It is expected to disrupt RNA splicing. Variants that disrupt the donor or acceptor splice site typically lead to a loss of protein function (PMID: 16199547), and loss-of-function variants in CHEK2 are known to be pathogenic (PMID: 21876083, 24713400). This variant is not present in population databases (gnomAD no frequency). This variant has not been reported in the literature in individuals affected with CHEK2-related conditions. Algorithms developed to predict the effect of sequence changes on RNA splicing suggest that this variant may disrupt the consensus splice site. In summary, the currently available evidence indicates that the variant is pathogenic, but additional data are needed to prove that conclusively. Therefore, this variant has been classified as Likely Pathogenic.

Literature cited by the submitters: PubMed 16199547; PubMed 21876083; PubMed 24713400.

NM_007194.4(CHEK2):c.684-5_684-2delinsC

Gene: CHEK2 (checkpoint kinase 2; minus strand). Cytogenetic location: 22q12.1.
Variant type: Indel.
Coding change: c.684-5_684-2delinsC on transcript NM_007194.4 (MANE Select); 5 bases into the intron before coding-DNA position 684 through the canonical splice acceptor site of the intron before coding-DNA position 684, TCTA replaced by C.
Molecular consequence: splice acceptor variant.
Genome position (GRCh38, 1-based): chr22:28,712,019-28,712,022, TAGA replaced by G on the plus strand (TCTA replaced by C on the coding strand, the reverse complement: CHEK2 is on the minus strand). VCF-style: chr22-28712019-TAGA-G. GRCh37 (hg19) VCF-style: chr22-29108007-TAGA-G.
Other names: c.21-5_21-2delinsC (NM_001437942.1, NM_001257387.3); c.483-5_483-2delinsC (NM_001349956.3); c.684-5_684-2delinsC (NM_145862.3); c.777-5_777-2delinsC (NM_001438295.1, NM_001438293.1); c.813-5_813-2delinsC (NM_001438294.1, NM_001005735.3).
Identifiers: ClinVar variation 971360 (VCV000971360.7), dbSNP rs2053419709, ClinGen allele CA1139666369.